The following is an entry in ClinVar:

ClinVar aggregate classification (germline): Uncertain significance (1 of 4 stars; one submission).

Submission:

Labcorp Genetics (formerly Invitae), Labcorp
Classification: Uncertain significance. Last evaluated: 2022-08-12. Review status: criteria provided, single submitter. Criteria: Invitae Variant Classification Sherloc (09022015). Collection method: clinical testing. Allele origin: germline.
Comment: In summary, the available evidence is currently insufficient to determine the role of this variant in disease. Therefore, it has been classified as a Variant of Uncertain Significance. Algorithms developed to predict the effect of missense changes on protein structure and function are either unavailable or do not agree on the potential impact of this missense change (SIFT: "Tolerated"; PolyPhen-2: "Possibly Damaging"; Align-GVGD: "Class C0"). This variant has not been reported in the literature in individuals affected with ELP1-related conditions. This variant is not present in population databases (gnomAD no frequency). This sequence change replaces arginine, which is basic and polar, with serine, which is neutral and polar, at codon 1133 of the ELP1 protein (p.Arg1133Ser).

NM_003640.5(ELP1):c.3397C>A (p.Arg1133Ser)

Gene: ELP1 (elongator acetyltransferase complex subunit 1; minus strand). Cytogenetic location: 9q31.3.
Variant type: single nucleotide variant.
Coding change: c.3397C>A on transcript NM_003640.5 (MANE Select); coding-DNA position 3397, C replaced by A.
Protein change: p.Arg1133Ser; replaces arginine 1133 with serine.
Molecular consequence: missense variant.
Genome position (GRCh38, 1-based): chr9:108,880,115, G>T on the plus strand (C>A on the coding strand, the complement: ELP1 is on the minus strand). VCF-style: chr9-108880115-G-T. GRCh37 (hg19) VCF-style: chr9-111642395-G-T.
Other names: c.3055C>A, p.Arg1019Ser (NM_001318360.2); c.2350C>A, p.Arg784Ser (NM_001330749.2); short protein forms R1133S, R784S, R1019S.
Identifiers: ClinVar variation 2023858 (VCV002023858.4), dbSNP rs372499865, ClinGen allele CA374412386.